The following is an entry in ClinVar:

ClinVar aggregate classification (germline): Likely benign. Review status: criteria provided, multiple submitters, no conflicts (2 of 4 stars). 4 submissions from 4 submitters: Likely benign (3). 1 of the submissions does not count toward it. Last evaluated 2021-07-30.

Conditions:
AFF2-related disorder. Also called: AFF2-related condition.
Non-syndromic X-linked intellectual disability (XLID). Also called: Mental retardation, nonsyndromic, X-linked. Identifiers: Orphanet 777, MedGen C3501611, MONDO:0019181.

Allele frequency attached by ClinVar (database versions not stated): gnomAD exomes 0.00006 and 0.00016; ExAC 0.00023; gnomAD 0.00069 and 0.00075; ESP Exome Variant Server 0.00076; TOPMed 0.00076.
gnomAD v4.1: 142 of 1,209,932 alleles (0.012%); highest among the groups gnomAD compares: African/African-American, 0.25%; no homozygotes.

Submissions (4):

Department of Pathology and Laboratory Medicine, Sinai Health System
Classification: Likely benign for non-syndromic X-linked intellectual disability. Last evaluated: 2021-07-30. Review status: criteria provided, single submitter. Criteria: ACMG Guidelines, 2015. Collection method: research. Allele origin: germline.

Eurofins Ntd Llc (ga)
Classification: Likely benign. Last evaluated: 2017-04-25. Review status: criteria provided, single submitter. Criteria: EGL Classification Definitions 2015. Collection method: clinical testing. Allele origin: germline. Observed: 1 variant allele, 1 hemizygote.

Breakthrough Genomics
Classification: Likely benign. Review status: criteria provided, single submitter. Criteria: ACMG Guidelines, 2015. Collection method: not provided. Allele origin: germline. Inheritance: X-linked inheritance. Affected: yes.

PreventionGenetics, part of Exact Sciences
Classification: Likely benign for AFF2-related condition. Last evaluated: 2020-01-27. Review status: no assertion criteria provided. Collection method: clinical testing. Allele origin: germline. Not counted in ClinVar's aggregate classification.
Comment: This variant is classified as likely benign based on ACMG/AMP sequence variant interpretation guidelines (Richards et al. 2015 PMID: 25741868, with internal and published modifications).

NM_002025.4(AFF2):c.1858A>G (p.Thr620Ala)

Gene: AFF2 (ALF transcription elongation factor 2; plus strand). Cytogenetic location: Xq28.
Variant type: single nucleotide variant.
Coding change: c.1858A>G on transcript NM_002025.4 (MANE Select); coding-DNA position 1858, A replaced by G.
Protein change: p.Thr620Ala; replaces threonine 620 with alanine.
Molecular consequence: missense variant.
Genome position (GRCh38, 1-based): chrX:148,955,903, A>G. VCF-style: chrX-148955903-A-G. GRCh37 (hg19) VCF-style: chrX-148037433-A-G.
Other names: c.1759A>G, p.Thr587Ala (NM_001169122.2); c.1828A>G, p.Thr610Ala (NM_001169123.2); c.1753A>G, p.Thr585Ala (NM_001169124.2); c.1741A>G, p.Thr581Ala (NM_001169125.2); c.781A>G, p.Thr261Ala (NM_001170628.1); c.1858A>G (NM_002025.3); short protein forms T620A, T610A, T587A, T581A, T585A, T261A.
Identifiers: ClinVar variation 283886 (VCV000283886.9), dbSNP rs143923852, ClinGen allele CA10537070.